The following is an entry in ClinVar:

ClinVar aggregate classification (germline): Uncertain significance. Review status: criteria provided, multiple submitters, no conflicts (2 of 4 stars). 2 submissions from 2 submitters: Uncertain significance (2). Last evaluated 2024-03-20.

Allele frequency attached by ClinVar (database versions not stated): gnomAD 0.00002 and 0.00003; gnomAD exomes 0.00003 and 0.00015; TOPMed 0.00003; ExAC 0.00012; 1000 Genomes Project 0.00020; 1000 Genomes Project 30x 0.00031.
gnomAD v4.1: 54 of 1,614,158 alleles (0.0033%); highest among the groups gnomAD compares: East Asian, 0.049%; 1 homozygote.

Submissions (2):

Ambry Genetics
Classification: Uncertain significance. Last evaluated: 2024-03-20. Review status: criteria provided, single submitter. Criteria: Ambry Variant Classification Scheme 2023. Collection method: clinical testing. Allele origin: germline.

Labcorp Genetics (formerly Invitae), Labcorp
Classification: Uncertain significance. Last evaluated: 2024-02-17. Review status: criteria provided, single submitter. Criteria: Invitae Variant Classification Sherloc (09022015). Collection method: clinical testing. Allele origin: germline.
Comment: This sequence change replaces arginine, which is basic and polar, with cysteine, which is neutral and slightly polar, at codon 259 of the MAPKAPK3 protein (p.Arg259Cys). This variant is present in population databases (rs199901611, gnomAD 0.1%), and has an allele count higher than expected for a pathogenic variant. This variant has not been reported in the literature in individuals affected with MAPKAPK3-related conditions. ClinVar contains an entry for this variant (Variation ID: 951761). An algorithm developed to predict the effect of missense changes on protein structure and function (PolyPhen-2) suggests that this variant is likely to be disruptive. In summary, the available evidence is currently insufficient to determine the role of this variant in disease. Therefore, it has been classified as a Variant of Uncertain Significance.

NM_001243925.2(MAPKAPK3):c.775C>T (p.Arg259Cys)

Gene: MAPKAPK3 (MAPK activated protein kinase 3; plus strand). Cytogenetic location: 3p21.2.
Variant type: single nucleotide variant.
Coding change: c.775C>T on transcript NM_001243925.2 (MANE Select); coding-DNA position 775, C replaced by T.
Protein change: p.Arg259Cys; replaces arginine 259 with cysteine.
Molecular consequence: missense variant.
Genome position (GRCh38, 1-based): chr3:50,646,210, C>T. VCF-style: chr3-50646210-C-T. GRCh37 (hg19) VCF-style: chr3-50683641-C-T.
Other names: c.775C>T, p.Arg259Cys (NM_001243926.2, NM_004635.5); c.775C>T (NM_004635.4); short protein forms R259C.
Identifiers: ClinVar variation 951761 (VCV000951761.8), dbSNP rs199901611, ClinGen allele CA2420361.